The following is an entry in ClinVar:

NM_153704.6(TMEM67):c.148G>C (p.Asp50His)

Gene: TMEM67 (transmembrane protein 67; plus strand). Cytogenetic location: 8q22.1.
Variant type: single nucleotide variant.
Coding change: c.148G>C on transcript NM_153704.6 (MANE Select); coding-DNA position 148, G replaced by C.
Protein change: p.Asp50His; replaces aspartic acid 50 with histidine.
Molecular consequence: missense variant. On other transcripts: 5 prime UTR variant (1), non-coding transcript variant (1).
Genome position (GRCh38, 1-based): chr8:93,755,062, G>C. VCF-style: chr8-93755062-G-C. GRCh37 (hg19) VCF-style: chr8-94767290-G-C.
Other names: c.-137G>C (NM_001142301.1); short protein forms D50H.
Identifiers: ClinVar variation 1510758 (VCV001510758.5), dbSNP rs144253777, ClinGen allele CA4807525.
Genomic context (GRCh38, chr8:93,755,062, plus strand): 5'-CTCCCTCGCTTCTTACAGGCCCAGACCTTCTCTTTCCCTTTCCAGCAGCCGGAGAAGTGC[G>C]ACAACAACCAGTACTTTGATATCTCCGCCCTCTCGTGTGTTCCTTGTGGAGCTAACCAGA-3'
Protein context (NP_714915.3, residues 40-60): SFPFQQPEKC[Asp50His]NNQYFDISAL

ClinVar aggregate classification (germline): Uncertain significance (1 of 4 stars; one submission).

Conditions:
Meckel-Gruber syndrome. Also called: DYSENCEPHALIA SPLANCHNOCYSTICA; GRUBER SYNDROME; Dysencephalia splachnocystica. Identifiers: Orphanet 564, MedGen C0265215, MONDO:0018921.
Joubert syndrome. Also called: CEREBELLOPARENCHYMAL DISORDER IV; JOUBERT-BOLTSHAUSER SYNDROME; Familial aplasia of the vermis. Identifiers: Orphanet 475, MedGen C5979921, MONDO:0018772.

gnomAD v4.1: 2 of 1,614,040 alleles (0.00012%); highest among the groups gnomAD compares: Admixed American, 0.0017%; no homozygotes.

Submission:

Labcorp Genetics (formerly Invitae), Labcorp
Classification: Uncertain significance for Joubert syndrome; Meckel-Gruber syndrome. Last evaluated: 2022-07-12. Review status: criteria provided, single submitter. Criteria: Invitae Variant Classification Sherloc (09022015). Collection method: clinical testing. Allele origin: germline.
Comment: This sequence change replaces aspartic acid, which is acidic and polar, with histidine, which is basic and polar, at codon 50 of the TMEM67 protein (p.Asp50His). This variant is present in population databases (rs144253777, gnomAD 0.007%). This variant has not been reported in the literature in individuals affected with TMEM67-related conditions. ClinVar contains an entry for this variant (Variation ID: 1510758). Advanced modeling of protein sequence and biophysical properties (such as structural, functional, and spatial information, amino acid conservation, physicochemical variation, residue mobility, and thermodynamic stability) performed at Invitae indicates that this missense variant is not expected to disrupt TMEM67 protein function. In summary, the available evidence is currently insufficient to determine the role of this variant in disease. Therefore, it has been classified as a Variant of Uncertain Significance.